The following is an entry in ClinVar:

NM_001348716.2(KDM6B):c.4495C>T (p.Arg1499Ter)

Genes: KDM6B (lysine demethylase 6B; plus strand), LOC121587574 (Sharpr-MPRA regulatory region 3930; plus strand). Cytogenetic location: 17p13.1.
Variant type: single nucleotide variant.
Coding change: c.4495C>T on transcript NM_001348716.2 (MANE Select); coding-DNA position 4495, C replaced by T.
Protein change: p.Arg1499Ter; replaces arginine 1499 with a stop codon.
Molecular consequence: nonsense.
Genome position (GRCh38, 1-based): chr17:7,852,521, C>T. VCF-style: chr17-7852521-C-T. GRCh37 (hg19) VCF-style: chr17-7755839-C-T.
Other names: c.4495C>T, p.Arg1499Ter (NM_001080424.2); short protein forms R1499*.
Identifiers: ClinVar variation 1527958 (VCV001527958.5), dbSNP rs2151379880, ClinGen allele CA397927907.

ClinVar aggregate classification (germline): Pathogenic/Likely pathogenic. Review status: criteria provided, multiple submitters, no conflicts (2 of 4 stars). 3 submissions from 3 submitters: Pathogenic (1); Likely pathogenic (2). Last evaluated 2022-01-01.

Conditions:
Neurodevelopmental disorder with coarse facies and mild distal skeletal abnormalities. Also called: STOLERMAN NEURODEVELOPMENTAL SYNDROME. Identifiers: MedGen C5193134, MONDO:0032790, OMIM 618505.
KDM6B-related disorder. Also called: KDM6B-related condition.

Submissions (3):

Provincial Medical Genetics Program of British Columbia, University of British Columbia
Classification: Likely pathogenic for Neurodevelopmental disorder with coarse facies and mild distal skeletal abnormalities. Last evaluated: 2022-01-01. Review status: criteria provided, single submitter. Criteria: ACMG Guidelines, 2015. Collection method: clinical testing. Allele origin: germline. Affected: yes.

Blueprint Genetics
Classification: Likely pathogenic for KDM6B-related disorders. Last evaluated: 2020-05-14. Review status: criteria provided, single submitter. Criteria: ACMG Guidelines, 2015. Collection method: clinical testing. Allele origin: germline. Affected: yes. Observed: 2 variant alleles.

Juno Genomics, Hangzhou Juno Genomics, Inc
Classification: Pathogenic for Neurodevelopmental disorder with coarse facies and mild distal skeletal abnormalities. Review status: criteria provided, single submitter. Criteria: ACMG Guidelines, 2015. Collection method: clinical testing. Allele origin: germline. Affected: yes.
Comment: Absent from controls (or at extremely low frequency if recessive) in Genome Aggregation Database, Exome Sequencing Project, 1000 Genomes Project, or Exome Aggregation Consortium.;Null variant in a gene where loss of function (LOF) is a known mechanism of disease.;Patient's phenotype or family history is highly specific for a disease with a single genetic etiology.;Assumed de novo, but without confirmation of paternity and maternity.